The following is an entry in ClinVar:

NM_000338.3(SLC12A1):c.1414C>T (p.His472Tyr)

Gene: SLC12A1 (solute carrier family 12 member 1; plus strand). Cytogenetic location: 15q21.1.
Variant type: single nucleotide variant.
Coding change: c.1414C>T on transcript NM_000338.3 (MANE Select); coding-DNA position 1414, C replaced by T.
Protein change: p.His472Tyr; replaces histidine 472 with tyrosine.
Molecular consequence: missense variant.
Genome position (GRCh38, 1-based): chr15:48,244,866, C>T. VCF-style: chr15-48244866-C-T. GRCh37 (hg19) VCF-style: chr15-48537063-C-T.
Other names: c.1414C>T, p.His472Tyr (NM_001184832.2, NM_001384136.1); short protein forms H472Y.
Identifiers: ClinVar variation 1705009 (VCV001705009.2), dbSNP rs2505080034, ClinGen allele CA392310732.

ClinVar aggregate classification (germline): Uncertain significance (1 of 4 stars; one submission).

Allele frequency attached by ClinVar (database versions not stated): gnomAD exomes 0.00001.
gnomAD v4.1: 10 of 1,613,948 alleles (0.00062%); highest among the groups gnomAD compares: Non-Finnish European, 0.00085%; no homozygotes.

Submission:

GeneDx
Classification: Uncertain significance. Last evaluated: 2022-03-08. Review status: criteria provided, single submitter. Criteria: GeneDx Variant Classification Process June 2021. Collection method: clinical testing. Allele origin: germline. Affected: yes.
Comment: Not observed at significant frequency in large population cohorts (gnomAD); In silico analysis supports that this missense variant does not alter protein structure/function; Has not been previously published as pathogenic or benign to our knowledge